The following is an entry in ClinVar:

NM_001378418.1(TCF20):c.910A>G (p.Lys304Glu)

Gene: TCF20 (transcription factor 20; minus strand). Cytogenetic location: 22q13.2.
Variant type: single nucleotide variant.
Coding change: c.910A>G on transcript NM_001378418.1 (MANE Select); coding-DNA position 910, A replaced by G.
Protein change: p.Lys304Glu; replaces lysine 304 with glutamic acid.
Molecular consequence: missense variant.
Genome position (GRCh38, 1-based): chr22:42,214,396, T>C on the plus strand (A>G on the coding strand, the complement: TCF20 is on the minus strand). VCF-style: chr22-42214396-T-C. GRCh37 (hg19) VCF-style: chr22-42610402-T-C.
Other names: c.910A>G, p.Lys304Glu (NM_005650.4, NM_181492.3); short protein forms K304E.
Identifiers: ClinVar variation 2653254 (VCV002653254.24), dbSNP rs771880763, ClinGen allele CA10267275.
Genomic context (GRCh38, chr22:42,214,396, plus strand): 5'-GGTGTTGTTGTTGCTGCGGTTGCTGCTGCTGCTGCCCCTGTTGGGTCCCTTGTGGAATCT[T>C]TGCCTGTTCAAAATTCTTCATAGATTGAGGCTGATAGCTGTAATTGGATTGTGTTCCATA-3'
Protein context (NP_001365347.1, residues 294-314): PQSMKNFEQA[Lys304Glu]IPQGTQQGQQ

ClinVar aggregate classification (germline): Likely benign (1 of 4 stars; one submission).

Allele frequency attached by ClinVar (database versions not stated): TOPMed below 0.00001; gnomAD 0.00001; ExAC 0.00002; gnomAD exomes 0.00003.
gnomAD v4.1: 42 of 1,613,954 alleles (0.0026%); highest among the groups gnomAD compares: Non-Finnish European, 0.0034%; no homozygotes.

Submission:

CeGaT Center for Human Genetics Tuebingen
Classification: Likely benign. Last evaluated: 2023-06-01. Review status: criteria provided, single submitter. Criteria: CeGaT Center For Human Genetics Tuebingen Variant Classification Criteria Version 2. Collection method: clinical testing. Allele origin: germline. Affected: yes. Observed: 1 variant allele.
Comment: TCF20: BP4